The following is an entry in ClinVar:

NM_000051.4(ATM):c.7765A>G (p.Lys2589Glu)

Genes: ATM (ATM serine/threonine kinase; plus strand), C11orf65 (chromosome 11 open reading frame 65; minus strand). Cytogenetic location: 11q22.3.
Variant type: single nucleotide variant.
Coding change: c.7765A>G on transcript NM_000051.4 (MANE Select); coding-DNA position 7765, A replaced by G.
Protein change: p.Lys2589Glu; replaces lysine 2589 with glutamic acid.
Molecular consequence: missense variant. On other transcripts: intron variant (2).
Genome position (GRCh38, 1-based): chr11:108,332,014, A>G. VCF-style: chr11-108332014-A-G. GRCh37 (hg19) VCF-style: chr11-108202741-A-G.
Other names: c.7765A>G, p.Lys2589Glu (NM_001351834.2); c.641-22943T>C (NM_001330368.2); c.*38+3206T>C (NM_001351110.2); short protein forms K2589E.
Identifiers: ClinVar variation 232103 (VCV000232103.14), dbSNP rs876659557, ClinGen allele CA10579268.
Genomic context (GRCh38, chr11:108,332,014, plus strand): 5'-GATGAATTTCTGACTAAACCAGAGGTAGCCAGAAGAAGCAGAATAACTAAAAATGTGCCT[A>G]AACAAAGCTCTCAGCTTGATGAGGTATTTGGATTAAACATACGTACCTTTTAGAAGTGTG-3'
Protein context (NP_000042.3, residues 2579-2599): RRSRITKNVP[Lys2589Glu]QSSQLDEDRT

ClinVar aggregate classification (germline): Uncertain significance. Review status: criteria provided, multiple submitters, no conflicts (2 of 4 stars). 2 submissions from 2 submitters: Uncertain significance (2). Last evaluated 2025-11-04.

Conditions:
Hereditary cancer-predisposing syndrome. Also called: Neoplastic Syndromes, Hereditary; Hereditary neoplastic syndrome; Tumor predisposition; Hereditary Cancer Syndrome. Identifiers: Orphanet 140162, MedGen C0027672, MeSH D009386, MONDO:0015356.
Ataxia-telangiectasia syndrome (AT). Also called: Ataxia telangiectasia (A-T); Cerebello-oculocutaneous telangiectasia; Immunodeficiency with ataxia telangiectasia; LOUIS-BAR SYNDROME; AT, COMPLEMENTATION GROUP C; ATAXIA-TELANGIECTASIA, FRESNO VARIANT. Identifiers: Orphanet 100, MedGen C0004135, MONDO:0008840, OMIM 208900.

Submissions (2):

Labcorp Genetics (formerly Invitae), Labcorp
Classification: Uncertain significance for Ataxia-telangiectasia syndrome. Last evaluated: 2025-11-04. Review status: criteria provided, single submitter. Criteria: Invitae Variant Classification Sherloc (09022015). Collection method: clinical testing. Allele origin: germline.
Comment: This sequence change replaces lysine, which is basic and polar, with glutamic acid, which is acidic and polar, at codon 2589 of the ATM protein (p.Lys2589Glu). This variant is not present in population databases (gnomAD no frequency). This variant has not been reported in the literature in individuals affected with ATM-related conditions. ClinVar contains an entry for this variant (Variation ID: 232103). Invitae Evidence Modeling of protein sequence and biophysical properties (such as structural, functional, and spatial information, amino acid conservation, physicochemical variation, residue mobility, and thermodynamic stability) indicates that this missense variant is not expected to disrupt ATM protein function with a negative predictive value of 95%. In summary, the available evidence is currently insufficient to determine the role of this variant in disease. Therefore, it has been classified as a Variant of Uncertain Significance.

Ambry Genetics
Classification: Uncertain significance for Hereditary cancer-predisposing syndrome. Last evaluated: 2025-03-04. Review status: criteria provided, single submitter. Criteria: Ambry Variant Classification Scheme 2023. Collection method: clinical testing. Allele origin: germline.
Comment: The p.K2589E variant (also known as c.7765A>G), located in coding exon 51 of the ATM gene, results from an A to G substitution at nucleotide position 7765. The lysine at codon 2589 is replaced by glutamic acid, an amino acid with similar properties. This alteration was not observed in 7,051 unselected female breast cancer patients or 11,241 female controls of Japanese ancestry. In addition, it was not observed in unselected male breast cancer patients and was observed with an allele frequency of 0.0001 in 12,490 male controls of Japanese ancestry (Momozawa Y et al. Nat Commun, 2018 10;9:4083). This amino acid position is well conserved in available vertebrate species. In addition, the in silico prediction for this alteration is inconclusive. Since supporting evidence is limited at this time, the clinical significance of this alteration remains unclear.

Literature cited by the submitters: PubMed 30287823 (cited by Ambry Genetics).